The following is an entry in ClinVar:

NM_000349.3(STAR):c.178+1G>C

Gene: STAR (steroidogenic acute regulatory protein; minus strand). Cytogenetic location: 8p11.23.
Variant type: single nucleotide variant.
Coding change: c.178+1G>C on transcript NM_000349.3 (MANE Select); the canonical splice donor site of the intron after coding-DNA position 178, G replaced by C.
Molecular consequence: splice donor variant.
Genome position (GRCh38, 1-based): chr8:38,148,640, C>G on the plus strand (G>C on the coding strand, the complement: STAR is on the minus strand). VCF-style: chr8-38148640-C-G. GRCh37 (hg19) VCF-style: chr8-38006158-C-G.
Identifiers: ClinVar variation 557688 (VCV000557688.7), dbSNP rs1554503011, ClinGen allele CA370703433.

ClinVar aggregate classification (germline): Likely pathogenic. Review status: criteria provided, multiple submitters, no conflicts (2 of 4 stars). 3 submissions from 3 submitters: Likely pathogenic (2). 1 of the submissions does not count toward it. Last evaluated 2026-01-11.

Conditions:
Congenital lipoid adrenal hyperplasia due to STAR deficency. Also called: Congenital Lipoid Adrenal Hyperplasia; Cholesterol monooxygenase (side-chain cleaving) deficiency; Lipoid adrenal hyperplasia; ADRENAL HYPERPLASIA I. Identifiers: Orphanet 418, Orphanet 90790, MedGen C0342474, MONDO:0008725, OMIM 201710.

gnomAD v4.1: 2 of 1,613,968 alleles (0.00012%); highest among the groups gnomAD compares: Non-Finnish European, 0.00017%; no homozygotes.

Submissions (3):

Labcorp Genetics (formerly Invitae), Labcorp
Classification: Likely pathogenic. Last evaluated: 2026-01-11. Review status: criteria provided, single submitter. Criteria: Invitae Variant Classification Sherloc (09022015). Collection method: clinical testing. Allele origin: germline.
Comment: This sequence change affects a donor splice site in intron 2 of the STAR gene. It is expected to disrupt RNA splicing. Variants that disrupt the donor or acceptor splice site typically lead to a loss of protein function (PMID: 16199547), and loss-of-function variants in STAR are known to be pathogenic (PMID: 8948562). This variant is not present in population databases (gnomAD no frequency). Disruption of this splice site has been observed in individual(s) with congenital adrenal hyperplasia (PMID: 22083155). ClinVar contains an entry for this variant (Variation ID: 557688). Algorithms developed to predict the effect of sequence changes on RNA splicing suggest that this variant may disrupt the consensus splice site. In summary, the currently available evidence indicates that the variant is pathogenic, but additional data are needed to prove that conclusively. Therefore, this variant has been classified as Likely Pathogenic.

Fulgent Genetics
Classification: Likely pathogenic for Congenital lipoid adrenal hyperplasia due to STAR deficency. Last evaluated: 2023-12-21. Review status: criteria provided, single submitter. Criteria: ACMG Guidelines, 2015. Collection method: clinical testing. Allele origin: germline.

Counsyl
Classification: Likely pathogenic for Congenital lipoid adrenal hyperplasia due to STAR deficency. Last evaluated: 2018-04-12. Review status: no assertion criteria provided. Collection method: clinical testing. Allele origin: unknown. Not counted in ClinVar's aggregate classification.

Literature cited by the submitters: PubMed 16199547 (cited by Labcorp Genetics (formerly Invitae), Labcorp); PubMed 8948562 (cited by Labcorp Genetics (formerly Invitae), Labcorp); PubMed 22083155 (cited by Labcorp Genetics (formerly Invitae), Labcorp and Counsyl).